The following is an entry in ClinVar:

ClinVar aggregate classification (germline): Uncertain significance. Review status: criteria provided, multiple submitters, no conflicts (2 of 4 stars). 2 submissions from 2 submitters: Uncertain significance (2). Last evaluated 2025-12-05.

Allele frequency attached by ClinVar (database versions not stated): gnomAD exomes below 0.00001; TOPMed 0.00002.
gnomAD v4.1: 7 of 1,614,130 alleles (0.00043%); highest among the groups gnomAD compares: Non-Finnish European, 0.00051%; no homozygotes.

Submissions (2):

Women's Health and Genetics/Laboratory Corporation of America, LabCorp
Classification: Uncertain significance. Last evaluated: 2025-12-05. Review status: criteria provided, single submitter. Criteria: LabCorp Variant Classification Summary - May 2015. Collection method: clinical testing. Allele origin: germline.
Comment: Variant summary: DDB2 c.1049T>C (p.Leu350Pro) results in a non-conservative amino acid change in the encoded protein sequence. Algorithms developed to predict the effect of missense changes on protein structure and function are either unavailable or do not agree on the potential impact of this missense change. The variant was absent in 251494 control chromosomes. The available data on variant occurrences in the general population are insufficient to allow any conclusion about variant significance. c.1049T>C has been observed in an individual affected with Xeroderma Pigmentosum (Rapic-Otrin_2003). These data do not allow any conclusion about variant significance. At least one publication reports experimental evidence evaluating an impact on protein function, however, does not allow convincing conclusions about the variant effect (Luijsterburg_2012, Chitale_2017). The following publications have been ascertained in the context of this evaluation (PMID: 28416769, 22492724, 10777490, 21107348, 12812979). ClinVar contains an entry for this variant (Variation ID: 2137065). Based on the evidence outlined above, the variant was classified as uncertain significance.

Labcorp Genetics (formerly Invitae), Labcorp
Classification: Uncertain significance. Last evaluated: 2021-12-28. Review status: criteria provided, single submitter. Criteria: Invitae Variant Classification Sherloc (09022015). Collection method: clinical testing. Allele origin: germline.
Comment: This sequence change replaces leucine, which is neutral and non-polar, with proline, which is neutral and non-polar, at codon 350 of the DDB2 protein (p.Leu350Pro). This variant is not present in population databases (gnomAD no frequency). This missense change has been observed in individual(s) with clinical features of xeroderma pigmentosum (PMID: 10777490, 12812979, 21107348). Algorithms developed to predict the effect of missense changes on protein structure and function (SIFT, PolyPhen-2, Align-GVGD) all suggest that this variant is likely to be disruptive. Experimental studies have shown that this missense change affects DDB2 function (PMID: 22492724, 28416769). In summary, the available evidence is currently insufficient to determine the role of this variant in disease. Therefore, it has been classified as a Variant of Uncertain Significance.

Literature cited by the submitters: PubMed 28416769 (cited by Women's Health and Genetics/Laboratory Corporation of America, LabCorp and Labcorp Genetics (formerly Invitae), Labcorp); PubMed 22492724 (cited by Women's Health and Genetics/Laboratory Corporation of America, LabCorp and Labcorp Genetics (formerly Invitae), Labcorp); PubMed 10777490 (cited by Women's Health and Genetics/Laboratory Corporation of America, LabCorp and Labcorp Genetics (formerly Invitae), Labcorp); PubMed 21107348 (cited by Women's Health and Genetics/Laboratory Corporation of America, LabCorp and Labcorp Genetics (formerly Invitae), Labcorp); PubMed 12812979 (cited by Women's Health and Genetics/Laboratory Corporation of America, LabCorp and Labcorp Genetics (formerly Invitae), Labcorp).

NM_000107.3(DDB2):c.1049T>C (p.Leu350Pro)

Gene: DDB2 (damage specific DNA binding protein 2; plus strand). Cytogenetic location: 11p11.2.
Variant type: single nucleotide variant.
Coding change: c.1049T>C on transcript NM_000107.3 (MANE Select); coding-DNA position 1049, T replaced by C.
Protein change: p.Leu350Pro; replaces leucine 350 with proline.
Molecular consequence: missense variant. On other transcripts: non-coding transcript variant (2).
Genome position (GRCh38, 1-based): chr11:47,237,862, T>C. VCF-style: chr11-47237862-T-C. GRCh37 (hg19) VCF-style: chr11-47259413-T-C.
Other names: c.482T>C, p.Leu161Pro (NM_001300734.2, NM_001399876.1); c.1049T>C, p.Leu350Pro (NM_001399874.1, NM_001399875.1); c.857T>C, p.Leu286Pro (NM_001399878.1); short protein forms L286P, L161P, L350P.
Identifiers: ClinVar variation 2137065 (VCV002137065.5), dbSNP rs1281033732, ClinGen allele CA380297844.
Genomic context (GRCh38, chr11:47,237,862, plus strand): 5'-TGTTTACCCTCATGGCCGGCCTCTCCATCTCCTAGGCAGCCTGGCATCCTCGCTACAACC[T>C]CATTGTTGTGGGCCGATACCCAGATCCTAATTTCAAAAGTTGTACCCCTTATGAATTGAG-3'
Protein context (NP_000098.1, residues 340-360): IKAAWHPRYN[Leu350Pro]IVVGRYPDPN